The following is an entry in ClinVar:

NM_001080449.3(DNA2):c.3091A>G (p.Asn1031Asp)

Gene: DNA2 (DNA replication helicase/nuclease 2; minus strand). Cytogenetic location: 10q21.3.
Variant type: single nucleotide variant.
Coding change: c.3091A>G on transcript NM_001080449.3 (MANE Select); coding-DNA position 3091, A replaced by G.
Protein change: p.Asn1031Asp; replaces asparagine 1031 with aspartic acid.
Molecular consequence: missense variant. On other transcripts: non-coding transcript variant (1).
Genome position (GRCh38, 1-based): chr10:68,416,732, T>C on the plus strand (A>G on the coding strand, the complement: DNA2 is on the minus strand). VCF-style: chr10-68416732-T-C. GRCh37 (hg19) VCF-style: chr10-70176489-T-C.
Other names: short protein forms N1031D.
Identifiers: ClinVar variation 2007009 (VCV002007009.4), dbSNP rs2493889000, ClinGen allele CA376838819.

ClinVar aggregate classification (germline): Uncertain significance (1 of 4 stars; one submission).

Allele frequency attached by ClinVar (database versions not stated): gnomAD exomes below 0.00001.
gnomAD v4.1: 1 of 1,613,774 alleles (0.000062%); highest among the groups gnomAD compares: Non-Finnish European, 0.000085%; no homozygotes.

Submission:

Labcorp Genetics (formerly Invitae), Labcorp
Classification: Uncertain significance. Last evaluated: 2022-06-22. Review status: criteria provided, single submitter. Criteria: Invitae Variant Classification Sherloc (09022015). Collection method: clinical testing. Allele origin: germline.
Comment: Algorithms developed to predict the effect of missense changes on protein structure and function output the following: SIFT: "Tolerated"; PolyPhen-2: "Not Available"; Align-GVGD: "Class C0". The aspartic acid amino acid residue is found in multiple mammalian species, which suggests that this missense change does not adversely affect protein function. In summary, the available evidence is currently insufficient to determine the role of this variant in disease. Therefore, it has been classified as a Variant of Uncertain Significance. This sequence change replaces asparagine, which is neutral and polar, with aspartic acid, which is acidic and polar, at codon 1031 of the DNA2 protein (p.Asn1031Asp). This variant is not present in population databases (gnomAD no frequency). This variant has not been reported in the literature in individuals affected with DNA2-related conditions.